The following is an entry in ClinVar:

ClinVar aggregate classification (germline): Likely benign. Review status: criteria provided, multiple submitters, no conflicts (2 of 4 stars). 2 submissions from 2 submitters: Likely benign (2). Last evaluated 2025-10-01.

Conditions:
Inborn genetic diseases. Identifiers: MedGen C0950123, MeSH D030342.

Allele frequency attached by ClinVar (database versions not stated): ExAC 0.00003; gnomAD 0.00010; gnomAD exomes 0.00014; ESP Exome Variant Server 0.00023.
gnomAD v4.1: 236 of 1,613,854 alleles (0.015%); highest among the groups gnomAD compares: Non-Finnish European, 0.018%; no homozygotes.

Submissions (2):

CeGaT Center for Human Genetics Tuebingen
Classification: Likely benign. Last evaluated: 2025-10-01. Review status: criteria provided, single submitter. Criteria: CeGaT Center For Human Genetics Tuebingen Variant Classification Criteria Version 2. Collection method: clinical testing. Allele origin: germline. Affected: yes. Observed: 2 variant alleles.
Comment: SPEN: BS2

Ambry Genetics
Classification: Likely benign for Inborn genetic diseases. Last evaluated: 2024-04-01. Review status: criteria provided, single submitter. Criteria: Ambry Variant Classification Scheme 2023. Collection method: clinical testing. Allele origin: germline.

NM_015001.3(SPEN):c.2488T>C (p.Ser830Pro)

Gene: SPEN (spen family transcriptional repressor; plus strand). Cytogenetic location: 1p36.13.
Variant type: single nucleotide variant.
Coding change: c.2488T>C on transcript NM_015001.3 (MANE Select); coding-DNA position 2488, T replaced by C.
Protein change: p.Ser830Pro; replaces serine 830 with proline.
Molecular consequence: missense variant.
Genome position (GRCh38, 1-based): chr1:15,928,728, T>C. VCF-style: chr1-15928728-T-C. GRCh37 (hg19) VCF-style: chr1-16255223-T-C.
Other names: c.2488T>C (NM_015001.2); short protein forms S830P.
Identifiers: ClinVar variation 3025849 (VCV003025849.23), dbSNP rs140930757, ClinGen allele CA619295.